The following is an entry in ClinVar:

ClinVar aggregate classification (germline): Uncertain significance (1 of 4 stars; one submission).

Submission:

Labcorp Genetics (formerly Invitae), Labcorp
Classification: Uncertain significance. Last evaluated: 2024-06-16. Review status: criteria provided, single submitter. Criteria: Invitae Variant Classification Sherloc (09022015). Collection method: clinical testing. Allele origin: germline.
Comment: This sequence change replaces alanine, which is neutral and non-polar, with aspartic acid, which is acidic and polar, at codon 639 of the FLNB protein (p.Ala639Asp). This variant is not present in population databases (gnomAD no frequency). This variant has not been reported in the literature in individuals affected with FLNB-related conditions. Advanced modeling of protein sequence and biophysical properties (such as structural, functional, and spatial information, amino acid conservation, physicochemical variation, residue mobility, and thermodynamic stability) performed at Invitae indicates that this missense variant is not expected to disrupt FLNB protein function with a negative predictive value of 95%. In summary, the available evidence is currently insufficient to determine the role of this variant in disease. Therefore, it has been classified as a Variant of Uncertain Significance.

NM_001457.4(FLNB):c.1916C>A (p.Ala639Asp)

Gene: FLNB (filamin B; plus strand). Cytogenetic location: 3p14.3.
Variant type: single nucleotide variant.
Coding change: c.1916C>A on transcript NM_001457.4 (MANE Select); coding-DNA position 1916, C replaced by A.
Protein change: p.Ala639Asp; replaces alanine 639 with aspartic acid.
Molecular consequence: missense variant.
Genome position (GRCh38, 1-based): chr3:58,106,848, C>A. VCF-style: chr3-58106848-C-A. GRCh37 (hg19) VCF-style: chr3-58092575-C-A.
Other names: c.1916C>A, p.Ala639Asp (NM_001164317.2, NM_001164318.2, NM_001164319.2); short protein forms A639D.
Identifiers: ClinVar variation 3635703 (VCV003635703.2).